The following is an entry in ClinVar:

ClinVar aggregate classification (germline): Conflicting classifications of pathogenicity. Review status: criteria provided, conflicting classifications (1 of 4 stars). 3 submissions from 3 submitters: Uncertain significance (1); Likely benign (2). Last evaluated 2025-05-05.

Conditions:
Adenine phosphoribosyltransferase deficiency (APRTD). Also called: Urolithiasis, dha; 2,8-dihydroxyadenine urolithiasis; APRT DEFICIENCY; NEPHROLITHIASIS, DHA. Identifiers: Orphanet 976, MedGen C0268120, MONDO:0013869, OMIM 614723.

Allele frequency attached by ClinVar (database versions not stated): ExAC 0.00008; ESP Exome Variant Server 0.00008; gnomAD exomes 0.00012; TOPMed 0.00012; gnomAD 0.00014 and 0.00015.
gnomAD v4.1: 323 of 1,612,148 alleles (0.02%); highest among the groups gnomAD compares: Non-Finnish European, 0.027%; no homozygotes.

Submissions (3):

Mayo Clinic Laboratories, Mayo Clinic
Classification: Likely benign. Last evaluated: 2025-05-05. Review status: criteria provided, single submitter. Criteria: ACMG Guidelines, 2015. Collection method: clinical testing. Allele origin: germline. Observed: 1 variant allele.
Comment: BP4, BP7

Labcorp Genetics (formerly Invitae), Labcorp
Classification: Likely benign. Last evaluated: 2024-12-03. Review status: criteria provided, single submitter. Criteria: Invitae Variant Classification Sherloc (09022015). Collection method: clinical testing. Allele origin: germline.

Illumina Laboratory Services, Illumina
Classification: Uncertain significance for Adenine phosphoribosyltransferase deficiency. Last evaluated: 2018-01-13. Review status: criteria provided, single submitter. Criteria: ICSL Variant Classification Criteria 13 December 2019. Collection method: clinical testing. Allele origin: germline.

NM_000485.3(APRT):c.276G>A (p.Leu92=)

Gene: APRT (adenine phosphoribosyltransferase; minus strand). Cytogenetic location: 16q24.3.
Variant type: single nucleotide variant.
Coding change: c.276G>A on transcript NM_000485.3 (MANE Select); coding-DNA position 276, G replaced by A.
Protein change: p.Leu92=; no amino-acid change (leucine 92 retained).
Molecular consequence: synonymous variant.
Genome position (GRCh38, 1-based): chr16:88,810,468, C>T on the plus strand (G>A on the coding strand, the complement: APRT is on the minus strand). VCF-style: chr16-88810468-C-T. GRCh37 (hg19) VCF-style: chr16-88876876-C-T.
Other names: p.Leu92=; c.276G>A, p.Leu92= (NM_001030018.2).
Identifiers: ClinVar variation 884723 (VCV000884723.12), dbSNP rs372253865, ClinGen allele CA8234487.